The following is an entry in ClinVar:

ClinVar aggregate classification (germline): Uncertain significance (1 of 4 stars; one submission).

Conditions:
Hereditary cancer-predisposing syndrome. Also called: Neoplastic Syndromes, Hereditary; Tumor predisposition; Hereditary Cancer Syndrome; Hereditary neoplastic syndrome. Identifiers: Orphanet 140162, MedGen C0027672, MeSH D009386, MONDO:0015356.

gnomAD v4.1: 1 of 1,614,002 alleles (0.000062%); highest among the groups gnomAD compares: South Asian, 0.0011%; no homozygotes.

Submission:

Ambry Genetics
Classification: Uncertain significance for Hereditary cancer-predisposing syndrome. Last evaluated: 2026-05-14. Review status: criteria provided, single submitter. Criteria: Ambry Variant Classification Scheme 2023. Collection method: clinical testing. Allele origin: germline.
Comment: The p.S175I variant (also known as c.524G>T), located in coding exon 1 of the ALK gene, results from a G to T substitution at nucleotide position 524. The serine at codon 175 is replaced by isoleucine, an amino acid with dissimilar properties. This amino acid position is conserved. In addition, the in silico prediction for this alteration is inconclusive. Based on the available evidence, the clinical significance of this variant remains unclear.

NM_004304.5(ALK):c.524G>T (p.Ser175Ile)

Gene: ALK (ALK receptor tyrosine kinase; minus strand). Cytogenetic location: 2p23.1.
Variant type: single nucleotide variant.
Coding change: c.524G>T on transcript NM_004304.5 (MANE Select); coding-DNA position 524, G replaced by T.
Protein change: p.Ser175Ile; replaces serine 175 with isoleucine.
Molecular consequence: missense variant.
Genome position (GRCh38, 1-based): chr2:29,920,136, C>A on the plus strand (G>T on the coding strand, the complement: ALK is on the minus strand). VCF-style: chr2-29920136-C-A. GRCh37 (hg19) VCF-style: chr2-30143002-C-A.
Other names: short protein forms S175I.
Identifiers: ClinVar variation 4870261 (VCV004870261.1).
Genomic context (GRCh38, chr2:29,920,136, plus strand): 5'-GCCTTCTTCTCGGGCATCAGGCGGATCCTCAGTCGCCCTTCGCCTTGGCGAATCCACCAA[C>A]TGAACAGCTCGCTGAGATTGAACTGGAGCAGCCCCACAGCCGCCTCCCCGGGGGGCCCGA-3'
Protein context (NP_004295.2, residues 165-185): LLQFNLSELF[Ser175Ile]WWIRQGEGRL